The following is an entry in ClinVar:

ClinVar aggregate classification (germline): Benign/Likely benign. Review status: criteria provided, multiple submitters, no conflicts (2 of 4 stars). 6 submissions from 6 submitters: Benign (3); Likely benign (1). 2 of the submissions do not count toward it. Last evaluated 2026-02-03.

Conditions:
Joubert syndrome 15 (JBTS15). Identifiers: Orphanet 475, MedGen C3280897, MONDO:0013763, OMIM 614464.

Submissions (6):

Labcorp Genetics (formerly Invitae), Labcorp
Classification: Benign for Joubert syndrome 15. Last evaluated: 2026-02-03. Review status: criteria provided, single submitter. Criteria: Invitae Variant Classification Sherloc (09022015). Collection method: clinical testing. Allele origin: germline.

Blueprint Genetics
Classification: Likely benign. Last evaluated: 2024-11-27. Review status: criteria provided, single submitter. Criteria: ACMG Guidelines, 2015. Collection method: clinical testing. Allele origin: germline.

PreventionGenetics, part of Exact Sciences
Classification: Benign. Last evaluated: 2016-04-07. Review status: criteria provided, single submitter. Criteria: ACMG Guidelines, 2015. Collection method: clinical testing. Allele origin: germline.

GeneDx
Classification: Benign. Last evaluated: 2015-04-20. Review status: criteria provided, single submitter. Criteria: GeneDx Variant Classification (06012015). Collection method: clinical testing. Allele origin: germline. Affected: yes.
Comment: This variant is considered likely benign or benign based on one or more of the following criteria: it is a conservative change, it occurs at a poorly conserved position in the protein, it is predicted to be benign by multiple in silico algorithms, and/or has population frequency not consistent with disease.

Clinical Genetics DNA and cytogenetics Diagnostics Lab, Erasmus MC, Erasmus Medical Center
Classification: Likely benign. Review status: no assertion criteria provided. Collection method: clinical testing. Allele origin: germline. Affected: yes. Study: VKGL Data-share Consensus. Not counted in ClinVar's aggregate classification.

Genome Diagnostics Laboratory, University Medical Center Utrecht
Classification: Benign. Review status: no assertion criteria provided. Collection method: clinical testing. Allele origin: germline. Affected: yes. Study: VKGL Data-share Consensus. Not counted in ClinVar's aggregate classification.

NM_018718.3(CEP41):c.575-14del

Gene: CEP41 (centrosomal protein 41; minus strand). Cytogenetic location: 7q32.2.
Variant type: Deletion.
Coding change: c.575-14del on transcript NM_018718.3 (MANE Select); 14 bases into the intron before coding-DNA position 575, one base deleted (T; older notation c.575-14delT).
Molecular consequence: intron variant.
Genome position (GRCh38, 1-based): chr7:130,401,962, A deleted on the plus strand (T on the coding strand, the reverse complement: CEP41 is on the minus strand); the first of 5 consecutive A bases (chr7:130,401,962-130,401,966); deleting any one gives the same sequence. VCF-style (leftmost placement, unchanged base first): chr7-130401961-GA-G. GRCh37 (hg19) VCF-style: chr7-130041802-GA-G.
Other names: c.527-14del (NM_001257159.2); c.575-14del (NM_001257158.2); c.575-14delT (NM_018718.2).
Identifiers: ClinVar variation 261055 (VCV000261055.13), dbSNP rs144531086, ClinGen allele CA4485532.